The following is an entry in ClinVar:

NM_152383.5(DIS3L2):c.2500A>G (p.Ile834Val)

Gene: DIS3L2 (DIS3 like 3'-5' exoribonuclease 2; plus strand). Cytogenetic location: 2q37.1.
Variant type: single nucleotide variant.
Coding change: c.2500A>G on transcript NM_152383.5 (MANE Select); coding-DNA position 2500, A replaced by G.
Protein change: p.Ile834Val; replaces isoleucine 834 with valine.
Molecular consequence: missense variant. On other transcripts: non-coding transcript variant (2), intron variant (1).
Genome position (GRCh38, 1-based): chr2:232,336,472, A>G. VCF-style: chr2-232336472-A-G. GRCh37 (hg19) VCF-style: chr2-233201182-A-G.
Other names: c.1582-6873A>G (NM_001257281.2); short protein forms I834V.
Identifiers: ClinVar variation 652082 (VCV000652082.10), dbSNP rs1445610742, ClinGen allele CA350978840.
Genomic context (GRCh38, chr2:232,336,472, plus strand): 5'-TGCGCCTCGACATCAGGCCCTGCCATCCTTGTCCCCTCACGGCTGGGCTCTGCACAGGTC[A>G]TCACCATCTTCAGCCTGGTGGAGGTGGTCCTGCAGGCAGAGTCCACAGCCCTCAAGTACA-3'
Protein context (NP_689596.4, residues 824-844): DMEQEPAQQV[Ile834Val]TIFSLVEVVL

ClinVar aggregate classification (germline): Uncertain significance (1 of 4 stars; one submission).

Conditions:
Perlman syndrome (PRLMNS). Identifiers: Orphanet 2849, MedGen C0796113, MONDO:0009965, OMIM 267000.

Allele frequency attached by ClinVar (database versions not stated): gnomAD exomes below 0.00001; TOPMed below 0.00001; gnomAD 0.00001.
gnomAD v4.1: 9 of 1,610,354 alleles (0.00056%); highest among the groups gnomAD compares: African/African-American, 0.0027%; no homozygotes.

Submission:

Labcorp Genetics (formerly Invitae), Labcorp
Classification: Uncertain significance for Perlman syndrome. Last evaluated: 2023-08-18. Review status: criteria provided, single submitter. Criteria: Invitae Variant Classification Sherloc (09022015). Collection method: clinical testing. Allele origin: germline.
Comment: In summary, the available evidence is currently insufficient to determine the role of this variant in disease. Therefore, it has been classified as a Variant of Uncertain Significance. Advanced modeling of protein sequence and biophysical properties (such as structural, functional, and spatial information, amino acid conservation, physicochemical variation, residue mobility, and thermodynamic stability) performed at Invitae indicates that this missense variant is not expected to disrupt DIS3L2 protein function. ClinVar contains an entry for this variant (Variation ID: 652082). This variant has not been reported in the literature in individuals affected with DIS3L2-related conditions. This variant is present in population databases (no rsID available, gnomAD 0.0009%). This sequence change replaces isoleucine, which is neutral and non-polar, with valine, which is neutral and non-polar, at codon 834 of the DIS3L2 protein (p.Ile834Val).